The following is an entry in ClinVar:

NM_000717.5(CA4):c.745-3C>A

Gene: CA4 (carbonic anhydrase 4; plus strand). Cytogenetic location: 17q23.1.
Variant type: single nucleotide variant.
Coding change: c.745-3C>A on transcript NM_000717.5 (MANE Select); 3 bases into the intron before coding-DNA position 745, C replaced by A.
Molecular consequence: intron variant.
Genome position (GRCh38, 1-based): chr17:60,159,227, C>A. VCF-style: chr17-60159227-C-A. GRCh37 (hg19) VCF-style: chr17-58236588-C-A.
Identifiers: ClinVar variation 4765064 (VCV004765064.1).
Genomic context (GRCh38, chr17:60,159,227, plus strand): 5'-GGTCACACGGCAGGGAGTGCAGCTCCCCCTGCCCCGACCTGCTGAGCCCCATCACTTCCG[C>A]AGATCCTGGCATTCTCTCAGAAGCTGTACTACGACAAGGAACAGACAGTGAGCATGAAGG-3'

ClinVar aggregate classification (germline): Uncertain significance (1 of 4 stars; one submission).

Submission:

Labcorp Genetics (formerly Invitae), Labcorp
Classification: Uncertain significance. Last evaluated: 2025-08-04. Review status: criteria provided, single submitter. Criteria: Invitae Variant Classification Sherloc (09022015). Collection method: clinical testing. Allele origin: germline.
Comment: This sequence change falls in intron 7 of the CA4 gene. It does not directly change the encoded amino acid sequence of the CA4 protein. It affects a nucleotide within the consensus splice site. This variant is not present in population databases (gnomAD no frequency). This variant has not been reported in the literature in individuals affected with CA4-related conditions. Variants that disrupt the consensus splice site are a relatively common cause of aberrant splicing (PMID: 17576681, 9536098). Algorithms developed to predict the effect of sequence changes on RNA splicing suggest that this variant may disrupt the consensus splice site. In summary, the available evidence is currently insufficient to determine the role of this variant in disease. Therefore, it has been classified as a Variant of Uncertain Significance.

Literature cited by the submitters: PubMed 17576681; PubMed 9536098.